The following is an entry in ClinVar:

ClinVar aggregate classification (germline): Uncertain significance. Review status: criteria provided, multiple submitters, no conflicts (2 of 4 stars). 3 submissions from 3 submitters: Uncertain significance (3). Last evaluated 2022-04-21.

Conditions:
Familial thoracic aortic aneurysm and aortic dissection (TAAD). Also called: Thoracic aortic aneurysms and dissections. Identifiers: Orphanet 91387, MedGen C4707243, MONDO:0019625.

Allele frequency attached by ClinVar (database versions not stated): gnomAD exomes below 0.00001; TOPMed below 0.00001; ExAC 0.00001.

Submissions (3):

Ambry Genetics
Classification: Uncertain significance for Familial thoracic aortic aneurysm and aortic dissection. Last evaluated: 2022-04-21. Review status: criteria provided, single submitter. Criteria: Ambry Variant Classification Scheme 2023. Collection method: clinical testing. Allele origin: germline.
Comment: The p.D1703A variant (also known as c.5108A>C), located in coding exon 27 of the MYLK gene, results from an A to C substitution at nucleotide position 5108. The aspartic acid at codon 1703 is replaced by alanine, an amino acid with dissimilar properties. This amino acid position is conserved. In addition, the in silico prediction for this alteration is inconclusive. Since supporting evidence is limited at this time, the clinical significance of this alteration remains unclear.

CHEO Genetics Diagnostic Laboratory, Children's Hospital of Eastern Ontario
Classification: Uncertain significance for Familial thoracic aortic aneurysm and aortic dissection. Last evaluated: 2022-04-11. Review status: criteria provided, single submitter. Criteria: ACMG Guidelines, 2015. Collection method: clinical testing. Allele origin: germline.

GeneDx
Classification: Uncertain significance. Last evaluated: 2019-10-29. Review status: criteria provided, single submitter. Criteria: GeneDx Variant Classification Process June 2021. Collection method: clinical testing. Allele origin: germline. Affected: yes.
Comment: Has not been previously published as pathogenic or benign to our knowledge; Not observed at a significant frequency in large population cohorts (Lek et al., 2016); In-silico analysis, which includes splice predictors and evolutionary conservation, is inconclusive as to whether the variant alters gene splicing. In the absence of RNA/functional studies, the actual effect of this sequence change is unknown.; In silico analysis, which includes protein predictors and evolutionary conservation, supports a deleterious effect

NM_053025.4(MYLK):c.5108A>C (p.Asp1703Ala)

Genes: MYLK (myosin light chain kinase; minus strand), MYLK-AS1 (MYLK antisense RNA 1; plus strand), LOC126806791 (MED14-independent group 3 enhancer GRCh37_chr3:123347871-123349070; plus strand). Cytogenetic location: 3q21.1.
Variant type: single nucleotide variant.
Coding change: c.5108A>C on transcript NM_053025.4 (MANE Select); coding-DNA position 5108, A replaced by C.
Protein change: p.Asp1703Ala; replaces aspartic acid 1703 with alanine.
Molecular consequence: missense variant. On other transcripts: intron variant (2).
Genome position (GRCh38, 1-based): chr3:123,629,480, T>G on the plus strand (A>C on the coding strand, the complement: MYLK is on the minus strand). VCF-style: chr3-123629480-T-G. GRCh37 (hg19) VCF-style: chr3-123348327-T-G.
Other names: c.4580A>C, p.Asp1527Ala (NM_001321309.2); c.4901A>C, p.Asp1634Ala (NM_053026.4); c.4755-2539A>C (NM_053028.4); c.4962-2539A>C (NM_053027.4); short protein forms D1527A, D1634A, D1703A.
Identifiers: ClinVar variation 1316369 (VCV001316369.6), dbSNP rs763359005, ClinGen allele CA072502.